The following is an entry in ClinVar:

NM_020964.3(EPG5):c.7334G>A (p.Arg2445Gln)

Gene: EPG5 (ectopic P-granules 5 autophagy tethering factor; minus strand). Cytogenetic location: 18q12.3.
Variant type: single nucleotide variant.
Coding change: c.7334G>A on transcript NM_020964.3 (MANE Select); coding-DNA position 7334, G replaced by A.
Protein change: p.Arg2445Gln; replaces arginine 2445 with glutamine.
Molecular consequence: missense variant.
Genome position (GRCh38, 1-based): chr18:45,857,961, C>T on the plus strand (G>A on the coding strand, the complement: EPG5 is on the minus strand). VCF-style: chr18-45857961-C-T. GRCh37 (hg19) VCF-style: chr18-43437926-C-T.
Other names: c.7334G>A, p.Arg2445Gln (NM_001410858.1); c.7331G>A, p.Arg2444Gln (NM_001410859.1); short protein forms R2445Q, R2444Q.
Identifiers: ClinVar variation 2190523 (VCV002190523.2), dbSNP rs756772032, ClinGen allele CA8948024.
Genomic context (GRCh38, chr18:45,857,961, plus strand): 5'-CCAGAGCTGAGTCTCTCCTCAGCCACGAGGTTCTGCCTGCTCTGAACCAAGAGCAGAATT[C>T]GAATGACAGATTCTGTCAGGACGGAGTCATTCTGCTCTGTCTGAATGAGGGAGAGCTGAA-3'
Protein context (NP_066015.2, residues 2435-2455): NDSVLTESVI[Arg2445Gln]ILLLVQSRQN

ClinVar aggregate classification (germline): Uncertain significance (1 of 4 stars; one submission).

Conditions:
Vici syndrome (VICIS). Identifiers: Orphanet 1493, MedGen C1855772, MONDO:0009452, OMIM 242840.

Allele frequency attached by ClinVar (database versions not stated): ExAC 0.00001.
gnomAD v4.1: 2 of 1,613,472 alleles (0.00012%); no homozygotes.

Submission:

Labcorp Genetics (formerly Invitae), Labcorp
Classification: Uncertain significance for Vici syndrome. Last evaluated: 2022-01-17. Review status: criteria provided, single submitter. Criteria: Invitae Variant Classification Sherloc (09022015). Collection method: clinical testing. Allele origin: germline.
Comment: In summary, the available evidence is currently insufficient to determine the role of this variant in disease. Therefore, it has been classified as a Variant of Uncertain Significance. Algorithms developed to predict the effect of missense changes on protein structure and function (SIFT, PolyPhen-2, Align-GVGD) all suggest that this variant is likely to be tolerated. This variant has not been reported in the literature in individuals affected with EPG5-related conditions. This variant is present in population databases (rs756772032, gnomAD 0.003%). This sequence change replaces arginine, which is basic and polar, with glutamine, which is neutral and polar, at codon 2445 of the EPG5 protein (p.Arg2445Gln).